The following is an entry in ClinVar:

NM_002485.5(NBN):c.1276A>T (p.Ile426Phe)

Gene: NBN (nibrin; minus strand). Cytogenetic location: 8q21.3.
Variant type: single nucleotide variant.
Coding change: c.1276A>T on transcript NM_002485.5 (MANE Select); coding-DNA position 1276, A replaced by T.
Protein change: p.Ile426Phe; replaces isoleucine 426 with phenylalanine.
Molecular consequence: missense variant.
Genome position (GRCh38, 1-based): chr8:89,955,404, T>A on the plus strand (A>T on the coding strand, the complement: NBN is on the minus strand). VCF-style: chr8-89955404-T-A. GRCh37 (hg19) VCF-style: chr8-90967632-T-A.
Other names: c.1030A>T, p.Ile344Phe (NM_001024688.3, NM_001440379.1, NM_001440380.1); short protein forms I426F, I344F.
Identifiers: ClinVar variation 4117271 (VCV004117271.1).

ClinVar aggregate classification (germline): Uncertain significance (1 of 4 stars; one submission).

Conditions:
Hereditary cancer-predisposing syndrome. Also called: Hereditary neoplastic syndrome; Neoplastic Syndromes, Hereditary; Tumor predisposition; Hereditary Cancer Syndrome. Identifiers: Orphanet 140162, MedGen C0027672, MeSH D009386, MONDO:0015356.

Submission:

Ambry Genetics
Classification: Uncertain significance for Hereditary cancer-predisposing syndrome. Last evaluated: 2025-07-28. Review status: criteria provided, single submitter. Criteria: Ambry Variant Classification Scheme 2023. Collection method: clinical testing. Allele origin: germline.
Comment: The p.I426F variant (also known as c.1276A>T), located in coding exon 10 of the NBN gene, results from an A to T substitution at nucleotide position 1276. The isoleucine at codon 426 is replaced by phenylalanine, an amino acid with highly similar properties. This amino acid position is conserved. In addition, this alteration is predicted to be tolerated by in silico analysis. Based on the available evidence, the clinical significance of this variant remains unclear.